The following is an entry in ClinVar:

ClinVar aggregate classification (germline): Pathogenic (1 of 4 stars; one submission).

Conditions:
Nemaline myopathy 2 (NEM2). Also called: Nemaline myopathy 2, autosomal recessive. Identifiers: MedGen C1850569, MONDO:0009725, OMIM 256030.

Submission:

Labcorp Genetics (formerly Invitae), Labcorp
Classification: Pathogenic for Nemaline myopathy 2. Last evaluated: 2023-03-26. Review status: criteria provided, single submitter. Criteria: Invitae Variant Classification Sherloc (09022015). Collection method: clinical testing. Allele origin: germline.
Comment: For these reasons, this variant has been classified as Pathogenic. ClinVar contains an entry for this variant (Variation ID: 1454179). This variant has not been reported in the literature in individuals affected with NEB-related conditions. This variant is not present in population databases (gnomAD no frequency). This sequence change creates a premature translational stop signal (p.Tyr7747Profs*16) in the NEB gene. It is expected to result in an absent or disrupted protein product. Loss-of-function variants in NEB are known to be pathogenic (PMID: 25205138).

Literature cited by the submitters: PubMed 25205138.

NM_001164508.2(NEB):c.23134_23144del (p.Tyr7712fs)

Genes: NEB (nebulin; minus strand), RIF1 (replication timing regulatory factor 1; plus strand). Cytogenetic location: 2q23.3.
Variant type: Deletion.
Coding change: c.23134_23144del on transcript NM_001164508.2 (MANE Select); coding-DNA positions 23134 to 23144, 11 bases deleted (TATAAGCGAGA).
Protein change: p.Tyr7712fs; shifts the reading frame from tyrosine 7712.
Molecular consequence: frameshift variant.
Genome position (GRCh38, 1-based): chr2:151,513,677-151,513,687, TCTCGCTTATA deleted on the plus strand (TATAAGCGAGA on the coding strand, the reverse complement: NEB is on the minus strand); deleting any 11 consecutive bases within chr2:151,513,677-151,513,688 gives the same sequence; the c. name uses the placement nearest the transcript's 3' end. VCF-style (leftmost placement, unchanged base first): chr2-151513676-GTCTCGCTTATA-G. GRCh37 (hg19) VCF-style: chr2-152370190-GTCTCGCTTATA-G.
Other names: c.23134_23144del, p.Tyr7712fs (NM_001164507.2); c.23239_23249del, p.Tyr7747fs (NM_001271208.2); c.18031_18041del, p.Tyr6011fs (NM_004543.5); short protein forms Y7747fs, Y6011fs, Y7712fs.
Identifiers: ClinVar variation 1454179 (VCV001454179.6), dbSNP rs2153276539, ClinGen allele CA2573133339.
Genomic context (GRCh38, chr2:151,513,676, plus strand): 5'-AAAATCCGGAGTTTCATTGGCCATGGCATTCAGGCCTCTTCCTTTGACTTCCAGTTCCAG[GTCTCGCTTATA>G]TTCTTTCTATAGTAGCATTAAAAGAAAAAAAAAAGGTACCTAAATGCTACTACTAGGTAA-3'